The following is an entry in ClinVar:

ClinVar aggregate classification (germline): Uncertain significance (1 of 4 stars; one submission).

Conditions:
NIK deficiency. Also called: Primary immunodeficiency with multifaceted aberrant lymphoid immunity. Identifiers: Orphanet 447731, MedGen C5680065, MONDO:0018642.

Allele frequency attached by ClinVar (database versions not stated): TOPMed 0.00001; gnomAD exomes 0.00002 and 0.00005; ExAC 0.00003; gnomAD 0.00003.
gnomAD v4.1: 29 of 1,613,804 alleles (0.0018%); highest among the groups gnomAD compares: Admixed American, 0.005%; no homozygotes.

Submission:

Labcorp Genetics (formerly Invitae), Labcorp
Classification: Uncertain significance for NIK deficiency. Last evaluated: 2024-10-16. Review status: criteria provided, single submitter. Criteria: Invitae Variant Classification Sherloc (09022015). Collection method: clinical testing. Allele origin: germline.
Comment: This sequence change replaces glutamic acid, which is acidic and polar, with lysine, which is basic and polar, at codon 72 of the MAP3K14 protein (p.Glu72Lys). This variant is present in population databases (rs757101873, gnomAD 0.01%). This variant has not been reported in the literature in individuals affected with MAP3K14-related conditions. ClinVar contains an entry for this variant (Variation ID: 1056476). Experimental studies and prediction algorithms are not available or were not evaluated, and the functional significance of this variant is currently unknown. In summary, the available evidence is currently insufficient to determine the role of this variant in disease. Therefore, it has been classified as a Variant of Uncertain Significance.

NM_003954.5(MAP3K14):c.214G>A (p.Glu72Lys)

Gene: MAP3K14 (mitogen-activated protein kinase kinase kinase 14; minus strand). Cytogenetic location: 17q21.31.
Variant type: single nucleotide variant.
Coding change: c.214G>A on transcript NM_003954.5 (MANE Select); coding-DNA position 214, G replaced by A.
Protein change: p.Glu72Lys; replaces glutamic acid 72 with lysine.
Molecular consequence: missense variant.
Genome position (GRCh38, 1-based): chr17:45,290,532, C>T on the plus strand (G>A on the coding strand, the complement: MAP3K14 is on the minus strand). VCF-style: chr17-45290532-C-T. GRCh37 (hg19) VCF-style: chr17-43367898-C-T.
Other names: short protein forms E72K.
Identifiers: ClinVar variation 1056476 (VCV001056476.7), dbSNP rs757101873, ClinGen allele CA8614435.